The following is an entry in ClinVar:

NM_170606.3(KMT2C):c.9373dup (p.Arg3125fs)

Gene: KMT2C (lysine methyltransferase 2C; minus strand). Cytogenetic location: 7q36.1.
Variant type: Duplication.
Coding change: c.9373dup on transcript NM_170606.3 (MANE Select); coding-DNA position 9373, one base duplicated (A; older notation c.9373dupA).
Protein change: p.Arg3125fs; shifts the reading frame from arginine 3125.
Molecular consequence: frameshift variant.
Genome position (GRCh38, 1-based): chr7:152,174,132, T duplicated on the plus strand (A on the coding strand, the reverse complement: KMT2C is on the minus strand). VCF-style (leftmost placement, unchanged base first): chr7-152174131-C-CT. GRCh37 (hg19) VCF-style: chr7-151871216-C-CT.
Other names: short protein forms R3125fs.
Identifiers: ClinVar variation 4530496 (VCV004530496.1).

ClinVar aggregate classification (somatic clinical impact): Tier I - Strong (1 of 4 stars; one submission).

Conditions:
Medulloblastoma non-WNT/non-SHH group 4. Identifiers: MedGen C4330666, MONDO:0956967.

Submission:

Institute for Genomic Medicine (IGM) Clinical Laboratory, Nationwide Children's Hospital
Classification: Tier I - Strong for Medulloblastoma non-WNT/non-SHH group 4. Assertion type: diagnostic. Clinical significance: supports diagnosis. Last evaluated: 2023-04-05. Review status: criteria provided, single submitter. Criteria: AMP/ASCO/CAP Guidelines, 2017. Collection method: clinical testing. Allele origin: somatic. Affected: yes.
Comment: Variant has Tier I (strong) clinical significance as a diagnostic inclusion criterion in medulloblastoma non-WNT/non-SHH group 4, based on the following evidence: 1) Appears in one or more well-established professional guidelines (e.g., World Health Organization [WHO]; National Comprehensive Cancer Network [NCCN]) as providing diagnostic, prognostic, or therapeutic information (PMIDs: 21163964, 28726821, 22820256). 2) Information in the literature supports potential biologic effect of variant. 3) Diagnostic for a specific tumor type/classification based on well-powered studies with expert-level consensus (Evidence Level B; PMIDs: 21163964, 28726821, 22820256).

Literature cited by the submitters: PubMed 21163964; PubMed 28726821; PubMed 22820256.